The following is an entry in ClinVar:

ClinVar aggregate classification (germline): Pathogenic (1 of 4 stars; one submission).

Conditions:
Neurofibromatosis, type 1 (NF1). Also called: VON RECKLINGHAUSEN DISEASE; Peripheral type neurofibromatosis; NEUROFIBROMATOSIS, TYPE I, SOMATIC; Neurofibromatosis, type I. Identifiers: Orphanet 636, MedGen C0027831, MONDO:0018975, OMIM 162200. Disease mechanism: loss of function.

Submission:

Labcorp Genetics (formerly Invitae), Labcorp
Classification: Pathogenic for Neurofibromatosis, type 1. Last evaluated: 2020-09-23. Review status: criteria provided, single submitter. Criteria: Invitae Variant Classification Sherloc (09022015). Collection method: clinical testing. Allele origin: germline.
Comment: This variant has not been reported in the literature in individuals with NF1-related conditions. This variant is not present in population databases (ExAC no frequency). This sequence change creates a premature translational stop signal (p.Asp372Glufs*10) in the NF1 gene. It is expected to result in an absent or disrupted protein product. Loss-of-function variants in NF1 are known to be pathogenic (PMID: 10712197, 23913538). For these reasons, this variant has been classified as Pathogenic.

Literature cited by the submitters: PubMed 10712197; PubMed 23913538.

NM_001042492.3(NF1):c.1099_1115dup (p.Asp372fs)

Gene: NF1 (neurofibromin 1; plus strand). Cytogenetic location: 17q11.2.
Variant type: Duplication.
Coding change: c.1099_1115dup on transcript NM_001042492.3 (MANE Select); coding-DNA positions 1099 to 1115, 17 bases duplicated (GGCAGTCAGCCTGCAGA).
Protein change: p.Asp372fs; shifts the reading frame from aspartic acid 372.
Molecular consequence: frameshift variant.
Genome position (GRCh38, 1-based): chr17:31,201,073-31,201,089, GGCAGTCAGCCTGCAGA duplicated; duplicating any 17 consecutive bases within chr17:31,201,070-31,201,089 gives the same sequence; the c. name uses the placement nearest the transcript's 3' end. VCF-style (leftmost placement, unchanged base first): chr17-31201069-A-AAGAGGCAGTCAGCCTGC. GRCh37 (hg19) VCF-style: chr17-29528087-A-AAGAGGCAGTCAGCCTGC.
Other names: c.1099_1115dup, p.Asp372Glufs (NM_000267.4); c.1099_1115dup, p.Asp372fs (NM_001128147.3); short protein forms D372fs.
Identifiers: ClinVar variation 1070122 (VCV001070122.5), dbSNP rs2143878832, ClinGen allele CA2499224020.
Genomic context (GRCh38, chr17:31,201,069, plus strand): 5'-CTTTTGTTTTCTGTTGGGGTTTTTATAGAACCTGCTTTTTAATCCAAGTAAGCCATTCTC[A>AAGAGGCAGTCAGCCTGC]AGAGGCAGTCAGCCTGCAGATGTGGATCTAATGATTGACTGCCTTGTTTCTTGCTTTCGT-3'